The following is an entry in ClinVar:

NM_000059.4(BRCA2):c.2226del (p.Gln742fs)

Gene: BRCA2 (BRCA2 DNA repair associated; plus strand). Cytogenetic location: 13q13.1.
Variant type: Deletion.
Coding change: c.2226del on transcript NM_000059.4 (MANE Select); coding-DNA position 2226, one base deleted (A; older notation c.2226delA).
Protein change: p.Gln742fs; shifts the reading frame from glutamine 742.
Molecular consequence: frameshift variant.
Genome position (GRCh38, 1-based): chr13:32,336,581, A deleted; the last of 2 consecutive A bases (chr13:32,336,580-32,336,581); deleting either gives the same sequence. VCF-style (leftmost placement, unchanged base first): chr13-32336579-CA-C. GRCh37 (hg19) VCF-style: chr13-32910716-CA-C.
Other names: c.2226delA (NM_000059.3); short protein forms Q742fs.
Identifiers: ClinVar variation 254497 (VCV000254497.4), dbSNP rs886038070, ClinGen allele CA10586499.

ClinVar aggregate classification (germline): Pathogenic (3 of 4 stars; one submission).

Conditions:
Breast-ovarian cancer, familial, susceptibility to, 2 (BROVCA2). Also called: BRCA2 Hereditary Breast and Ovarian Cancer. Identifiers: Orphanet 145, MedGen C2675520, MONDO:0012933, OMIM 612555. Disease mechanism: loss of function.

Submission:

Evidence-based Network for the Interpretation of Germline Mutant Alleles (ENIGMA)
Classification: Pathogenic for Breast-ovarian cancer, familial, susceptibility to, 2. Last evaluated: 2016-09-08. Review status: reviewed by expert panel. Criteria: ENIGMA BRCA1/2 Classification Criteria (2015). Collection method: curation. Allele origin: germline.
Comment: Variant allele predicted to encode a truncated non-functional protein.